The following is an entry in ClinVar:

NM_001039213.4(CEACAM16):c.1013T>G (p.Val338Gly)

Genes: CEACAM16 (CEA cell adhesion molecule 16, tectorial membrane component; plus strand), CEACAM16-AS1 (CEACAM16, CEACAM19 and PVR antisense RNA 1; minus strand). Cytogenetic location: 19q13.32.
Variant type: single nucleotide variant.
Coding change: c.1013T>G on transcript NM_001039213.4 (MANE Select); coding-DNA position 1013, T replaced by G.
Protein change: p.Val338Gly; replaces valine 338 with glycine.
Molecular consequence: missense variant.
Genome position (GRCh38, 1-based): chr19:44,707,933, T>G. VCF-style: chr19-44707933-T-G. GRCh37 (hg19) VCF-style: chr19-45211205-T-G.
Other names: short protein forms V338G.
Identifiers: ClinVar variation 2776573 (VCV002776573.3), dbSNP rs2513591565, ClinGen allele CA406293135.

ClinVar aggregate classification (germline): Uncertain significance (1 of 4 stars; one submission).

Submission:

Labcorp Genetics (formerly Invitae), Labcorp
Classification: Uncertain significance. Last evaluated: 2023-02-18. Review status: criteria provided, single submitter. Criteria: Invitae Variant Classification Sherloc (09022015). Collection method: clinical testing. Allele origin: germline.
Comment: In summary, the available evidence is currently insufficient to determine the role of this variant in disease. Therefore, it has been classified as a Variant of Uncertain Significance. Advanced modeling of protein sequence and biophysical properties (such as structural, functional, and spatial information, amino acid conservation, physicochemical variation, residue mobility, and thermodynamic stability) performed at Invitae indicates that this missense variant is not expected to disrupt CEACAM16 protein function. This variant has not been reported in the literature in individuals affected with CEACAM16-related conditions. This variant is not present in population databases (gnomAD no frequency). This sequence change replaces valine, which is neutral and non-polar, with glycine, which is neutral and non-polar, at codon 338 of the CEACAM16 protein (p.Val338Gly).